The following is an entry in ClinVar:

NM_005529.7(HSPG2):c.362C>T (p.Ser121Leu)

Gene: HSPG2 (heparan sulfate proteoglycan 2; minus strand). Cytogenetic location: 1p36.12.
Variant type: single nucleotide variant.
Coding change: c.362C>T on transcript NM_005529.7 (MANE Select); coding-DNA position 362, C replaced by T.
Protein change: p.Ser121Leu; replaces serine 121 with leucine.
Molecular consequence: missense variant.
Genome position (GRCh38, 1-based): chr1:21,890,478, G>A on the plus strand (C>T on the coding strand, the complement: HSPG2 is on the minus strand). VCF-style: chr1-21890478-G-A. GRCh37 (hg19) VCF-style: chr1-22216971-G-A.
Other names: c.362C>T, p.Ser121Leu (NM_001291860.2); c.362C>T (NM_005529.6); short protein forms S121L.
Identifiers: ClinVar variation 1397928 (VCV001397928.7), dbSNP rs780963482, ClinGen allele CA673908.

ClinVar aggregate classification (germline): Uncertain significance. Review status: criteria provided, multiple submitters, no conflicts (2 of 4 stars). 2 submissions from 2 submitters: Uncertain significance (2). Last evaluated 2022-11-14.

Allele frequency attached by ClinVar (database versions not stated): ExAC 0.00001; gnomAD exomes 0.00001 and 0.00002.
gnomAD v4.1: 13 of 1,613,754 alleles (0.00081%); highest among the groups gnomAD compares: Middle Eastern, 0.016%; no homozygotes.

Submissions (2):

Athena Diagnostics
Classification: Uncertain significance. Last evaluated: 2022-11-14. Review status: criteria provided, single submitter. Criteria: Athena Diagnostics Criteria. Collection method: clinical testing. Allele origin: unknown.
Comment: Available data are insufficient to determine the clinical significance of the variant at this time. The frequency of this variant in the general population is uninformative in assessment of its pathogenicity. Computational tools predict that this variant is not damaging.

Labcorp Genetics (formerly Invitae), Labcorp
Classification: Uncertain significance. Last evaluated: 2022-02-03. Review status: criteria provided, single submitter. Criteria: Invitae Variant Classification Sherloc (09022015). Collection method: clinical testing. Allele origin: germline.
Comment: This sequence change replaces serine, which is neutral and polar, with leucine, which is neutral and non-polar, at codon 121 of the HSPG2 protein (p.Ser121Leu). This variant is present in population databases (rs780963482, gnomAD 0.006%). This variant has not been reported in the literature in individuals affected with HSPG2-related conditions. Algorithms developed to predict the effect of missense changes on protein structure and function (SIFT, PolyPhen-2, Align-GVGD) all suggest that this variant is likely to be tolerated. In summary, the available evidence is currently insufficient to determine the role of this variant in disease. Therefore, it has been classified as a Variant of Uncertain Significance.